The following is an entry in ClinVar:

NM_001382430.1(AKT1):c.923C>A (p.Thr308Asn)

Gene: AKT1 (AKT serine/threonine kinase 1; minus strand). Cytogenetic location: 14q32.33.
Variant type: single nucleotide variant.
Coding change: c.923C>A on transcript NM_001382430.1 (MANE Select); coding-DNA position 923, C replaced by A.
Protein change: p.Thr308Asn; replaces threonine 308 with asparagine.
Molecular consequence: missense variant.
Genome position (GRCh38, 1-based): chr14:104,773,285, G>T on the plus strand (C>A on the coding strand, the complement: AKT1 is on the minus strand). VCF-style: chr14-104773285-G-T. GRCh37 (hg19) VCF-style: chr14-105239622-G-T.
Other names: c.923C>A, p.Thr308Asn (NM_001014431.2, NM_001014432.2, NM_001382431.1 and 3 more transcripts); short protein forms T308N.
Identifiers: ClinVar variation 4267617 (VCV004267617.1).

ClinVar aggregate classification (germline): Uncertain significance (1 of 4 stars; one submission).

Conditions:
Inborn genetic diseases. Identifiers: MedGen C0950123, MeSH D030342.

Submission:

Ambry Genetics
Classification: Uncertain significance for Inborn genetic diseases. Last evaluated: 2025-08-11. Review status: criteria provided, single submitter. Criteria: Ambry Variant Classification Scheme 2023. Collection method: clinical testing. Allele origin: germline.
Comment: The p.T308N variant (also known as c.923C>A), located in coding exon 9 of the AKT1 gene, results from a C to A substitution at nucleotide position 923. The threonine at codon 308 is replaced by asparagine, an amino acid with similar properties. This amino acid position is conserved. In addition, this alteration is predicted to be tolerated by in silico analysis. Based on the available evidence, the clinical significance of this variant remains unclear.